The following is an entry in ClinVar:

NM_001080467.3(MYO5B):c.1568A>C (p.Asn523Thr)

Gene: MYO5B (myosin VB; minus strand). Cytogenetic location: 18q21.1.
Variant type: single nucleotide variant.
Coding change: c.1568A>C on transcript NM_001080467.3 (MANE Select); coding-DNA position 1568, A replaced by C.
Protein change: p.Asn523Thr; replaces asparagine 523 with threonine.
Molecular consequence: missense variant.
Genome position (GRCh38, 1-based): chr18:49,954,413, T>G on the plus strand (A>C on the coding strand, the complement: MYO5B is on the minus strand). VCF-style: chr18-49954413-T-G. GRCh37 (hg19) VCF-style: chr18-47480783-T-G.
Other names: short protein forms N523T.
Identifiers: ClinVar variation 4718424 (VCV004718424.1).

ClinVar aggregate classification (germline): Uncertain significance (1 of 4 stars; one submission).

Submission:

Labcorp Genetics (formerly Invitae), Labcorp
Classification: Uncertain significance. Last evaluated: 2025-12-05. Review status: criteria provided, single submitter. Criteria: Invitae Variant Classification Sherloc (09022015). Collection method: clinical testing. Allele origin: germline.
Comment: This sequence change replaces asparagine, which is neutral and polar, with threonine, which is neutral and polar, at codon 523 of the MYO5B protein (p.Asn523Thr). This variant is not present in population databases (gnomAD no frequency). This variant has not been reported in the literature in individuals affected with MYO5B-related conditions. Invitae Evidence Modeling of protein sequence and biophysical properties (such as structural, functional, and spatial information, amino acid conservation, physicochemical variation, residue mobility, and thermodynamic stability) indicates that this missense variant is not expected to disrupt MYO5B protein function with a negative predictive value of 80%. In summary, the available evidence is currently insufficient to determine the role of this variant in disease. Therefore, it has been classified as a Variant of Uncertain Significance.